The following is an entry in ClinVar:

NM_000275.3(OCA2):c.1626T>A (p.Ser542Arg)

Gene: OCA2 (OCA2 melanosomal transmembrane protein; minus strand). Cytogenetic location: 15q13.1.
Variant type: single nucleotide variant.
Coding change: c.1626T>A on transcript NM_000275.3 (MANE Select); coding-DNA position 1626, T replaced by A.
Protein change: p.Ser542Arg; replaces serine 542 with arginine.
Molecular consequence: missense variant.
Genome position (GRCh38, 1-based): chr15:27,966,700, A>T on the plus strand (T>A on the coding strand, the complement: OCA2 is on the minus strand). VCF-style: chr15-27966700-A-T. GRCh37 (hg19) VCF-style: chr15-28211846-A-T.
Other names: c.1554T>A, p.Ser518Arg (NM_001300984.2); short protein forms S518R, S542R.
Identifiers: ClinVar variation 1993634 (VCV001993634.6), dbSNP rs2140823915, ClinGen allele CA391356966.

ClinVar aggregate classification (germline): Uncertain significance. Review status: criteria provided, multiple submitters, no conflicts (2 of 4 stars). 2 submissions from 2 submitters: Uncertain significance (2). Last evaluated 2023-06-26.

Conditions:
Tyrosinase-positive oculocutaneous albinism (OCA2). Also called: ALBINISM II; Albinism, oculocutaneous, type II; Oculocutaneous albinism type 2. Identifiers: Orphanet 79432, MedGen C0268495, MONDO:0008746, OMIM 203200.

Submissions (2):

Labcorp Genetics (formerly Invitae), Labcorp
Classification: Uncertain significance. Last evaluated: 2023-06-26. Review status: criteria provided, single submitter. Criteria: Invitae Variant Classification Sherloc (09022015). Collection method: clinical testing. Allele origin: germline.
Comment: In summary, the available evidence is currently insufficient to determine the role of this variant in disease. Therefore, it has been classified as a Variant of Uncertain Significance. Advanced modeling of protein sequence and biophysical properties (such as structural, functional, and spatial information, amino acid conservation, physicochemical variation, residue mobility, and thermodynamic stability) performed at Invitae indicates that this missense variant is not expected to disrupt OCA2 protein function. ClinVar contains an entry for this variant (Variation ID: 1993634). This variant has not been reported in the literature in individuals affected with OCA2-related conditions. This variant is not present in population databases (gnomAD no frequency). This sequence change replaces serine, which is neutral and polar, with arginine, which is basic and polar, at codon 542 of the OCA2 protein (p.Ser542Arg).

Juno Genomics, Hangzhou Juno Genomics, Inc
Classification: Uncertain significance for Tyrosinase-positive oculocutaneous albinism. Review status: criteria provided, single submitter. Criteria: ACMG Guidelines, 2015. Collection method: clinical testing. Allele origin: germline.
Comment: Absent from controls (or at extremely low frequency if recessive) in Genome Aggregation Database.;For recessive disorders, detected in trans with a pathogenic variant.;Patient's phenotype or family history is highly specific for a disease with a single genetic etiology.